The following is an entry in ClinVar:

NM_003000.3(SDHB):c.741G>A (p.Met247Ile)

Gene: SDHB (succinate dehydrogenase complex iron sulfur subunit B; minus strand). Cytogenetic location: 1p36.13.
Variant type: single nucleotide variant.
Coding change: c.741G>A on transcript NM_003000.3 (MANE Select); coding-DNA position 741, G replaced by A.
Protein change: p.Met247Ile; replaces methionine 247 with isoleucine.
Molecular consequence: missense variant.
Genome position (GRCh38, 1-based): chr1:17,022,632, C>T on the plus strand (G>A on the coding strand, the complement: SDHB is on the minus strand). VCF-style: chr1-17022632-C-T. GRCh37 (hg19) VCF-style: chr1-17349127-C-T.
Other names: short protein forms M247I.
Identifiers: ClinVar variation 1024777 (VCV001024777.8), dbSNP rs2077968110, ClinGen allele CA338270079.
Genomic context (GRCh38, chr1:17,022,632, plus strand): 5'-TCTGAGGCAGAGCTGAGGGTCACCAGCCCCACGTACCTTAGGACAGGTCCTTGTGCAGTT[C>T]ATGATGGTGTGGCAGCGGTATAGAGAGAATGGGTCCTGCAGCTTGGCCAGGCGCTCCTCT-3'
Protein context (NP_002991.2, residues 237-257): PFSLYRCHTI[Met247Ile]NCTRTCPKGL

ClinVar aggregate classification (germline): Uncertain significance. Review status: criteria provided, multiple submitters, no conflicts (2 of 4 stars). 2 submissions from 2 submitters: Uncertain significance (2). Last evaluated 2026-04-17.

Conditions:
Hereditary cancer-predisposing syndrome. Also called: Tumor predisposition; Neoplastic Syndromes, Hereditary; Hereditary neoplastic syndrome; Hereditary Cancer Syndrome. Identifiers: Orphanet 140162, MedGen C0027672, MeSH D009386, MONDO:0015356.
Pheochromocytoma. Also called: MAX-Related Hereditary Paraganglioma-Pheochromocytoma Syndrome. Identifiers: Orphanet 29072, MedGen C0031511, MONDO:0008233, OMIM 171300, HP:0002666.
Gastrointestinal stromal tumor. Also called: Gastrointestinal stromal tumor, somatic; Gastrointestinal stroma tumor. Identifiers: Orphanet 44890, MedGen C0238198, MeSH D046152, MONDO:0011719, OMIM 606764, HP:0100723.
Pheochromocytoma/paraganglioma syndrome 4. Also called: CAROTID BODY TUMORS AND MULTIPLE EXTRAADRENAL PHEOCHROMOCYTOMAS; SDHB-Related Hereditary Paraganglioma-Pheochromocytoma Syndrome (Paragangliomas 4); Paragangliomas 4; SDHB-Related Hereditary Paraganglioma-Pheochromocytoma Syndrome; PARAGANGLIOMA, FAMILIAL MALIGNANT; PARAGANGLIOMAS, HEREDITARY EXTRAADRENAL. Identifiers: Orphanet 29072, MedGen C1861848, MONDO:0007273, OMIM 115310.

Submissions (2):

Ambry Genetics
Classification: Uncertain significance for Hereditary cancer-predisposing syndrome. Last evaluated: 2026-04-17. Review status: criteria provided, single submitter. Criteria: Ambry Variant Classification Scheme 2023. Collection method: clinical testing. Allele origin: germline.
Comment: The p.M247I variant (also known as c.741G>A), located in coding exon 7 of the SDHB gene, results from a G to A substitution at nucleotide position 741. The methionine at codon 247 is replaced by isoleucine, an amino acid with highly similar properties. This amino acid position is highly conserved in available vertebrate species. In addition, this alteration is predicted to be deleterious by in silico analysis. Based on the available evidence, the clinical significance of this variant remains unclear.

Labcorp Genetics (formerly Invitae), Labcorp
Classification: Uncertain significance for Gastrointestinal stromal tumor; Pheochromocytoma/paraganglioma syndrome 4; Pheochromocytoma. Last evaluated: 2024-10-27. Review status: criteria provided, single submitter. Criteria: Invitae Variant Classification Sherloc (09022015). Collection method: clinical testing. Allele origin: germline.
Comment: This sequence change replaces methionine, which is neutral and non-polar, with isoleucine, which is neutral and non-polar, at codon 247 of the SDHB protein (p.Met247Ile). This variant is not present in population databases (gnomAD no frequency). This variant has not been reported in the literature in individuals affected with SDHB-related conditions. ClinVar contains an entry for this variant (Variation ID: 1024777). Invitae Evidence Modeling of protein sequence and biophysical properties (such as structural, functional, and spatial information, amino acid conservation, physicochemical variation, residue mobility, and thermodynamic stability) indicates that this missense variant is expected to disrupt SDHB protein function with a positive predictive value of 80%. In summary, the available evidence is currently insufficient to determine the role of this variant in disease. Therefore, it has been classified as a Variant of Uncertain Significance.